The following is an entry in ClinVar:

NM_000218.3(KCNQ1):c.660G>T (p.Gln220His)

Gene: KCNQ1 (potassium voltage-gated channel subfamily Q member 1; plus strand). Cytogenetic location: 11p15.5.
Variant type: single nucleotide variant.
Coding change: c.660G>T on transcript NM_000218.3 (MANE Select); coding-DNA position 660, G replaced by T.
Protein change: p.Gln220His; replaces glutamine 220 with histidine.
Molecular consequence: missense variant. On other transcripts: intron variant (1).
Genome position (GRCh38, 1-based): chr11:2,571,380, G>T. VCF-style: chr11-2571380-G-T. GRCh37 (hg19) VCF-style: chr11-2592610-G-T.
Other names: c.660G>T, p.Gln220His (NM_001406836.1); c.390G>T, p.Gln130His (NM_001406837.1); c.279G>T, p.Gln93His (NM_181798.2); c.478-12055G>T (NM_001406838.1); short protein forms Q130H, Q220H, Q93H.
Identifiers: ClinVar variation 3075125 (VCV003075125.1), dbSNP rs2493669920, ClinGen allele CA379130634.

ClinVar aggregate classification (germline): Uncertain significance (1 of 4 stars; one submission).

Conditions:
Long QT syndrome (LQTS). Identifiers: MedGen C0023976, MeSH D008133, MONDO:0002442. Disease mechanism: loss of function. Inheritance: Various modes of inheritance.

Submission:

All of Us Research Program, National Institutes of Health
Classification: Uncertain significance for Long QT syndrome. Last evaluated: 2023-12-18. Review status: criteria provided, single submitter. Criteria: ACMG Guidelines, 2015. Collection method: clinical testing. Allele origin: germline. Inheritance: Autosomal dominant inheritance. Observed: 1 variant allele, 1 heterozygote.
Comment: This missense variant replaces glutamine with histidine at codon 220 of the KCNQ1 protein. Computational prediction suggests that this variant may have deleterious impact on protein structure and function (internally defined REVEL score threshold >= 0.7, PMID: 27666373). To our knowledge, functional studies have not been reported for this variant. This variant has not been reported in individuals affected with KCNQ1-related disorders in the literature. This variant has not been identified in the general population by the Genome Aggregation Database (gnomAD). The available evidence is insufficient to determine the role of this variant in disease conclusively. Therefore, this variant is classified as a Variant of Uncertain Significance.

This study involves interpretation of variants in research participants for the purpose of population health screening. Participant phenotype was not available at the time of variant classification. Additional details can be found in publication PMID: 35346344, PMCID: PMC8962531